The following is an entry in ClinVar:

ClinVar aggregate classification (germline): Uncertain significance (1 of 4 stars; one submission).

Conditions:
Long QT syndrome (LQTS). Identifiers: MedGen C0023976, MeSH D008133, MONDO:0002442. Disease mechanism: loss of function. Inheritance: Various modes of inheritance.

Submission:

Labcorp Genetics (formerly Invitae), Labcorp
Classification: Uncertain significance for Long QT syndrome. Last evaluated: 2020-01-24. Review status: criteria provided, single submitter. Criteria: Invitae Variant Classification Sherloc (09022015). Collection method: clinical testing. Allele origin: germline.
Comment: This variant results in a copy number gain of the genomic region encompassing exons 1-3 of the CACNA1C gene, which includes the initiator codon. The 5' end of this event is unknown as it extends beyond the assayed region for this gene and therefore may encompass additional genes. The 3' boundary is likely confined to intron 3 of the CACNA1C gene. As the precise location of this event is unknown, it may be in tandem or it may be located elsewhere in the genome. This variant has not been reported in the literature in individuals with CACNA1C-related conditions. Experimental studies and prediction algorithms are not available or were not evaluated, and the functional significance of this variant is currently unknown. In summary, the available evidence is currently insufficient to determine the role of this variant in disease. Therefore, it has been classified as a Variant of Uncertain Significance.

NC_000012.11:g.(?_2162719)_(2229606_?)dup

Gene: CACNA1C (calcium voltage-gated channel subunit alpha1 C; plus strand). Cytogenetic location: 12p13.33.
Variant type: Duplication.
Identifiers: ClinVar variation 1035420 (VCV001035420.2).